The following is an entry in ClinVar:

NM_001005498.4(RHBDF2):c.151-75A>G

Gene: RHBDF2 (rhomboid 5 homolog 2; minus strand). Cytogenetic location: 17q25.1.
Variant type: single nucleotide variant.
Coding change: c.151-75A>G on transcript NM_001005498.4 (MANE Select); 75 bases into the intron before coding-DNA position 151, A replaced by G.
Molecular consequence: intron variant. On other transcripts: missense variant (1).
Genome position (GRCh38, 1-based): chr17:76,479,929, T>C on the plus strand (A>G on the coding strand, the complement: RHBDF2 is on the minus strand). VCF-style: chr17-76479929-T-C. GRCh37 (hg19) VCF-style: chr17-74476011-T-C.
Other names: c.163A>G, p.Arg55Gly (NM_024599.5); c.151-75A>G (NM_001376230.1, NM_001376228.1, NM_001376229.1); short protein forms R55G.
Identifiers: ClinVar variation 4701307 (VCV004701307.1).
Genomic context (GRCh38, chr17:76,479,929, plus strand): 5'-AGGGAGGGCAGGCGGTGGTGTGTGCAGCCCAGGTCCTGGGCTGGCTTTTCTTTAGCCTCC[T>C]ATTCTGAAAACCCTGAGAACAAACTTCAACCCTGATTTATGCCCCAATTTGCTTTCATTT-3'

ClinVar aggregate classification (germline): Uncertain significance (1 of 4 stars; one submission).

Submission:

Labcorp Genetics (formerly Invitae), Labcorp
Classification: Uncertain significance. Last evaluated: 2025-09-28. Review status: criteria provided, single submitter. Criteria: Invitae Variant Classification Sherloc (09022015). Collection method: clinical testing. Allele origin: germline.
Comment: This sequence change replaces arginine, which is basic and polar, with glycine, which is neutral and non-polar, at codon 55 of the RHBDF2 protein (p.Arg55Gly). This variant is not present in population databases (gnomAD no frequency). This variant has not been reported in the literature in individuals affected with RHBDF2-related conditions. An algorithm developed to predict the effect of missense changes on protein structure and function outputs the following: PolyPhen-2: "Benign". The glycine amino acid residue is found in multiple mammalian species, which suggests that this missense change does not adversely affect protein function. In summary, the available evidence is currently insufficient to determine the role of this variant in disease. Therefore, it has been classified as a Variant of Uncertain Significance.